The following is an entry in ClinVar:

NM_001372.4(DNAH9):c.13360A>G (p.Ser4454Gly)

Gene: DNAH9 (dynein axonemal heavy chain 9; plus strand). Cytogenetic location: 17p12.
Variant type: single nucleotide variant.
Coding change: c.13360A>G on transcript NM_001372.4 (MANE Select); coding-DNA position 13360, A replaced by G.
Protein change: p.Ser4454Gly; replaces serine 4454 with glycine.
Molecular consequence: missense variant.
Genome position (GRCh38, 1-based): chr17:11,969,426, A>G. VCF-style: chr17-11969426-A-G. GRCh37 (hg19) VCF-style: chr17-11872743-A-G.
Other names: c.2296A>G, p.Ser766Gly (NM_004662.2); short protein forms S4454G, S766G.
Identifiers: ClinVar variation 2057821 (VCV002057821.4), dbSNP rs140161288, ClinGen allele CA8398411.

ClinVar aggregate classification (germline): Uncertain significance. Review status: criteria provided, multiple submitters, no conflicts (2 of 4 stars). 3 submissions from 3 submitters: Uncertain significance (3). Last evaluated 2025-06-02.

Conditions:
Inborn genetic diseases. Identifiers: MedGen C0950123, MeSH D030342.

Allele frequency attached by ClinVar (database versions not stated): ExAC 0.00005; TOPMed 0.00010; gnomAD 0.00015; gnomAD exomes 0.00022; ESP Exome Variant Server 0.00038.
gnomAD v4.1: 359 of 1,613,956 alleles (0.022%); highest among the groups gnomAD compares: Non-Finnish European, 0.028%; no homozygotes.

Submissions (3):

GeneDx
Classification: Uncertain significance. Last evaluated: 2025-06-02. Review status: criteria provided, single submitter. Criteria: GeneDx Variant Classification Process June 2021. Collection method: clinical testing. Allele origin: germline. Affected: yes.
Comment: In silico analysis suggests that this missense variant does not alter protein structure/function; Has not been previously published as pathogenic or benign to our knowledge

Ambry Genetics
Classification: Uncertain significance for Inborn genetic diseases. Last evaluated: 2024-12-16. Review status: criteria provided, single submitter. Criteria: Ambry Variant Classification Scheme 2023. Collection method: clinical testing. Allele origin: germline.

Labcorp Genetics (formerly Invitae), Labcorp
Classification: Uncertain significance. Last evaluated: 2022-06-16. Review status: criteria provided, single submitter. Criteria: Invitae Variant Classification Sherloc (09022015). Collection method: clinical testing. Allele origin: germline.
Comment: This sequence change replaces serine, which is neutral and polar, with glycine, which is neutral and non-polar, at codon 4454 of the DNAH9 protein (p.Ser4454Gly). This variant is present in population databases (rs140161288, gnomAD 0.02%). This variant has not been reported in the literature in individuals affected with DNAH9-related conditions. Algorithms developed to predict the effect of missense changes on protein structure and function (SIFT, PolyPhen-2, Align-GVGD) all suggest that this variant is likely to be tolerated. In summary, the available evidence is currently insufficient to determine the role of this variant in disease. Therefore, it has been classified as a Variant of Uncertain Significance.